The following is an entry in ClinVar:

NM_000843.4(GRM6):c.2224C>T (p.Leu742Phe)

Genes: GRM6 (glutamate metabotropic receptor 6; minus strand), ZNF454 (zinc finger protein 454; plus strand). Cytogenetic location: 5q35.3.
Variant type: single nucleotide variant.
Coding change: c.2224C>T on transcript NM_000843.4 (MANE Select); coding-DNA position 2224, C replaced by T.
Protein change: p.Leu742Phe; replaces leucine 742 with phenylalanine.
Molecular consequence: missense variant.
Genome position (GRCh38, 1-based): chr5:178,983,122, G>A on the plus strand (C>T on the coding strand, the complement: GRM6 is on the minus strand). VCF-style: chr5-178983122-G-A. GRCh37 (hg19) VCF-style: chr5-178410123-G-A.
Other names: short protein forms L742F.
Identifiers: ClinVar variation 1903987 (VCV001903987.5), dbSNP rs1250410180, ClinGen allele CA362424661.

ClinVar aggregate classification (germline): Uncertain significance (1 of 4 stars; one submission).

Allele frequency attached by ClinVar (database versions not stated): TOPMed below 0.00001; gnomAD exomes 0.00001.
gnomAD v4.1: 14 of 1,613,952 alleles (0.00087%); highest among the groups gnomAD compares: Admixed American, 0.0017%; no homozygotes.

Submission:

Labcorp Genetics (formerly Invitae), Labcorp
Classification: Uncertain significance. Last evaluated: 2022-08-19. Review status: criteria provided, single submitter. Criteria: Invitae Variant Classification Sherloc (09022015). Collection method: clinical testing. Allele origin: germline.
Comment: This sequence change replaces leucine, which is neutral and non-polar, with phenylalanine, which is neutral and non-polar, at codon 742 of the GRM6 protein (p.Leu742Phe). This variant is not present in population databases (gnomAD no frequency). In summary, the available evidence is currently insufficient to determine the role of this variant in disease. Therefore, it has been classified as a Variant of Uncertain Significance. Advanced modeling of protein sequence and biophysical properties (such as structural, functional, and spatial information, amino acid conservation, physicochemical variation, residue mobility, and thermodynamic stability) performed at Invitae indicates that this missense variant is expected to disrupt GRM6 protein function. This variant has not been reported in the literature in individuals affected with GRM6-related conditions.